The following is an entry in ClinVar:

NM_003664.5(AP3B1):c.2257G>A (p.Glu753Lys)

Gene: AP3B1 (adaptor related protein complex 3 subunit beta 1; minus strand). Cytogenetic location: 5q14.1.
Variant type: single nucleotide variant.
Coding change: c.2257G>A on transcript NM_003664.5 (MANE Select); coding-DNA position 2257, G replaced by A.
Protein change: p.Glu753Lys; replaces glutamic acid 753 with lysine.
Molecular consequence: missense variant.
Genome position (GRCh38, 1-based): chr5:78,110,347, C>T on the plus strand (G>A on the coding strand, the complement: AP3B1 is on the minus strand). VCF-style: chr5-78110347-C-T. GRCh37 (hg19) VCF-style: chr5-77406171-C-T.
Other names: c.2110G>A, p.Glu704Lys (NM_001271769.2); c.2257G>A, p.Glu753Lys (NM_001410752.1); short protein forms E753K, E704K.
Identifiers: ClinVar variation 2070334 (VCV002070334.4), dbSNP rs2530953655, ClinGen allele CA360183296.
Genomic context (GRCh38, chr5:78,110,347, plus strand): 5'-TAGATTCGTCATTTGAAGAATCTGAAGTTTTAGATTTTTCATTTTCCTTCTCCCCATCTT[C>T]AGAATCACTACACATAATAGTAAATTTTGAAATATGAACTTTAACTCCTTTATATAAGCA-3'
Protein context (NP_003655.3, residues 743-763): NSKAKGKSDS[Glu753Lys]DGEKENEKSK

ClinVar aggregate classification (germline): Uncertain significance (1 of 4 stars; one submission).

Conditions:
Hermansky-Pudlak syndrome 2 (HPS2). Also called: Platelet defects and oculocutaneous albinism. Identifiers: Orphanet 183678, Orphanet 79430, MedGen C1842362, MONDO:0011997, OMIM 608233.

Submission:

Labcorp Genetics (formerly Invitae), Labcorp
Classification: Uncertain significance for Hermansky-Pudlak syndrome 2. Last evaluated: 2022-01-02. Review status: criteria provided, single submitter. Criteria: Invitae Variant Classification Sherloc (09022015). Collection method: clinical testing. Allele origin: germline.
Comment: This variant is not present in population databases (gnomAD no frequency). This sequence change replaces glutamic acid, which is acidic and polar, with lysine, which is basic and polar, at codon 753 of the AP3B1 protein (p.Glu753Lys). This variant has not been reported in the literature in individuals affected with AP3B1-related conditions. In summary, the available evidence is currently insufficient to determine the role of this variant in disease. Therefore, it has been classified as a Variant of Uncertain Significance. Algorithms developed to predict the effect of missense changes on protein structure and function output the following: SIFT: "Tolerated"; PolyPhen-2: "Benign"; Align-GVGD: "Class C0". The lysine amino acid residue is found in multiple mammalian species, which suggests that this missense change does not adversely affect protein function.